The following is an entry in ClinVar:

ClinVar aggregate classification (germline): Pathogenic. Review status: reviewed by expert panel (3 of 4 stars). 5 submissions from 5 submitters: Pathogenic (1). 4 of the submissions do not count toward it. Last evaluated 2025-07-29.

Conditions:
Miyoshi muscular dystrophy 1 (MMD1). Identifiers: Orphanet 45448, MedGen C4551973, MONDO:0024545, OMIM 254130.
Autosomal recessive limb-girdle muscular dystrophy. Identifiers: Orphanet 102015, MedGen C2931907, MONDO:0015152.
Autosomal recessive limb-girdle muscular dystrophy type 2B (LGMDR2). Also called: Limb-girdle muscular dystrophy, type 2B; MUSCULAR DYSTROPHY, LIMB-GIRDLE, TYPE 3; MUSCULAR DYSTROPHY, LIMB-GIRDLE, AUTOSOMAL RECESSIVE 2; Limb-Girdle Muscular Dystrophy Type 2B (LGMD2B). Identifiers: Orphanet 268, MedGen C1850889, MONDO:0009676, OMIM 253601.

gnomAD v4.1: 1 of 1,614,142 alleles (0.000062%); highest among the groups gnomAD compares: South Asian, 0.0011%; no homozygotes.

Submissions (5):

ClinGen Limb Girdle Muscular Dystrophy Variant Curation Expert Panel, ClinGen
Classification: Pathogenic for Autosomal recessive limb-girdle muscular dystrophy. Last evaluated: 2025-07-29. Review status: reviewed by expert panel. Criteria: ClinGen LGMD VCEP ACMG Specifications DYSF V1.0.0. Collection method: curation. Allele origin: germline. Inheritance: Autosomal recessive inheritance.
Comment: The NM_003494.4: c.895G>T variant in DYSF, which is also known as NM_001130987.2: c.991G>T p.(Gly331Trp), is a missense variant predicted to cause substitution of glycine by tryptophan at amino acid 299, p.(Gly299Trp). This variant has been reported in a homozygous state in at least one individual with clinical features of LGMD (0.5 pts, PMID: 18306167, 28877744; PM3_Supporting). At least one patient had a clinical diagnosis or suspicion of LGMD and severely reduced or absent dysferlin protein expression in skeletal muscle, which is highly specific for DYSF-associated LGMD (PMID: 28877744; PP4_Strong). This variant has also been shown to co-segregate with the LGMD phenotype in one affected family member (PMID: 18306167; PP1). The highest frequency for this variant in gnomAD v4.1.0 is 0.00001098 in the South Asian population (1/91082 alleles), which is lower than the LGMD VCEP threshold for PM2_Supporting (0.0001), meeting this criterion (PM2_Supporting). Immunofluorescence and 2-A assays of dysferlin membrane localization in HEK293T cells showed the Gly299Trp protein did not reach the cell membrane, indicating an impact on protein function (PMID: 35028538; PS3_Moderate). The computational predictor REVEL gives a score of 0.968, which is above the LGMD VCEP threshold of 0.70, evidence that correlates with impact to DYSF function (PP3). In addition, another missense variant at the same codon, p.(Gly299Arg) resulting from either c.895G>A or c.895G>C, has been classified as Pathogenic for autosomal recessive limb girdle muscular dystrophy by the LGMD VCEP (PM5). In summary, this variant meets the criteria to be classified as Pathogenic for autosomal recessive limb-girdle muscular dystrophy based on the ACMG/AMP criteria applied, as specified by the ClinGen LGMD VCEP (LGMD VCEP specifications version 1.0.0; 07/29/2025): PM3_Supporting, PP4_Strong, PM2_Supporting, PS3_Moderate, PP3, PM5.

Foundation for Research in Genetics and Endocrinology, FRIGE's Institute of Human Genetics
Classification: Likely pathogenic for Autosomal recessive limb-girdle muscular dystrophy type 2B. Last evaluated: 2023-03-31. Review status: criteria provided, single submitter. Criteria: ACMG Guidelines, 2015. Collection method: clinical testing. Allele origin: germline. Inheritance: Autosomal recessive inheritance. Affected: yes. Observed: 1 homozygote. Not counted in ClinVar's aggregate classification.
Comment: A homozygous missense variant in exon 10 of the DYSF gene that results in the amino acid substitution of Tryptophan for Glycine at codon 331 (p.Gly331Trp) was detected. The p.Gly331Trp variant has not been reported in the 1000 genomes, gnomAD (v3.1), gnomdAD (v2) databases. The in silico predictions of the variant are probably damaging by PolyPhen-2 (HumDiv) and damaging by SIFT, LRT and MutationTaster2. The reference codon is conserved across species. In summary, the variant meets our criteria to be classified as likely pathogenic.

Revvity Omics, Revvity
Classification: Likely pathogenic. Last evaluated: 2022-07-01. Review status: criteria provided, single submitter. Criteria: ACMG Guidelines, 2015. Collection method: clinical testing. Allele origin: germline. Not counted in ClinVar's aggregate classification.

Eurofins Ntd Llc (ga)
Classification: Pathogenic. Last evaluated: 2016-02-02. Review status: criteria provided, single submitter. Criteria: EGL Classification Definitions 2015. Collection method: clinical testing. Allele origin: germline. Observed: 1 variant allele, 1 homozygote. Not counted in ClinVar's aggregate classification.

OMIM
Classification: Pathogenic for MIYOSHI MUSCULAR DYSTROPHY 1. Last evaluated: 2008-03-01. Review status: no assertion criteria provided. Collection method: literature only. Allele origin: germline. Not counted in ClinVar's aggregate classification.

Literature cited by the submitters: PubMed 35028538 (cited by ClinGen Limb Girdle Muscular Dystrophy Variant Curation Expert Panel, ClinGen); PubMed 18306167 (cited by OMIM).

NM_001130987.2(DYSF):c.991G>T (p.Gly331Trp)

Gene: DYSF (dysferlin; plus strand). Cytogenetic location: 2p13.2.
Variant type: single nucleotide variant.
Coding change: c.991G>T on transcript NM_001130987.2 (MANE Select); coding-DNA position 991, G replaced by T.
Protein change: p.Gly331Trp; replaces glycine 331 with tryptophan.
Molecular consequence: missense variant.
Genome position (GRCh38, 1-based): chr2:71,517,028, G>T. VCF-style: chr2-71517028-G-T. GRCh37 (hg19) VCF-style: chr2-71744158-G-T.
Other names: p.Gly331Trp; NM_001130987.2(DYSF):c.991G>T; c.898G>T, p.Gly300Trp (NM_001130455.2, NM_001130983.2, NM_001130984.2 and 1 more transcripts); c.895G>T, p.Gly299Trp (NM_001130976.2, NM_001130977.2, NM_001130978.2 and 1 more transcripts); c.988G>T, p.Gly330Trp (NM_001130979.2, NM_001130980.2, NM_001130981.2); c.991G>T, p.Gly331Trp (NM_001130982.2, NM_001130985.2); short protein forms G299W, G331W, G300W, G330W.
Identifiers: ClinVar variation 6682 (VCV000006682.11), dbSNP rs121908963, ClinGen allele CA253918.
Genomic context (GRCh38, chr2:71,517,028, plus strand): 5'-TTCCATGATCTTTCTCTGCAGGTGGTAGACTCTCGTTCTCTCAGGACAGATGCTCTCCTC[G>T]GGGAGTTCCGGGTAATTGCTTATTTTCTATGAAAGCAGTCAGTTCTCACTTCTCCGTGTT-3'
Protein context (NP_001124459.1, residues 321-341): SRSLRTDALL[Gly331Trp]EFRMDVGTIY